The following is an entry in ClinVar:

NM_000238.4(KCNH2):c.215C>G (p.Pro72Arg)

Gene: KCNH2 (potassium voltage-gated channel subfamily H member 2; minus strand). Cytogenetic location: 7q36.1.
Variant type: single nucleotide variant.
Coding change: c.215C>G on transcript NM_000238.4 (MANE Select); coding-DNA position 215, C replaced by G.
Protein change: p.Pro72Arg; replaces proline 72 with arginine.
Molecular consequence: missense variant.
Genome position (GRCh38, 1-based): chr7:150,974,803, G>C on the plus strand (C>G on the coding strand, the complement: KCNH2 is on the minus strand). VCF-style: chr7-150974803-G-C. GRCh37 (hg19) VCF-style: chr7-150671891-G-C.
Other names: c.215C>G (LRG_288t1); c.38C>G, p.Pro13Arg (NM_001406755.1); c.215C>G, p.Pro72Arg (NM_172056.3); short protein forms P72R, P13R.
Identifiers: ClinVar variation 67369 (VCV000067369.11), dbSNP rs199473421, ClinGen allele CA006299.

ClinVar aggregate classification (germline): Likely pathogenic. Review status: criteria provided, multiple submitters, no conflicts (2 of 4 stars). 3 submissions from 3 submitters: Likely pathogenic (2). 1 of the submissions does not count toward it. Last evaluated 2025-02-13.

Conditions:
Familial long QT syndrome (RWS). Also called: Congenital long QT syndrome; Romano-Ward syndrome; VENTRICULAR FIBRILLATION WITH PROLONGED QT INTERVAL. Identifiers: Orphanet 768, MedGen C1141890, MONDO:0019171.
Long QT syndrome (LQTS). Identifiers: MedGen C0023976, MeSH D008133, MONDO:0002442. Disease mechanism: loss of function. Inheritance: Various modes of inheritance.
Long QT syndrome 2 (LQT2). Identifiers: Orphanet 101016, Orphanet 768, MedGen C3150943, MONDO:0013367, OMIM 613688.

Submissions (3):

Labcorp Genetics (formerly Invitae), Labcorp
Classification: Likely pathogenic for Long QT syndrome. Last evaluated: 2025-02-13. Review status: criteria provided, single submitter. Criteria: Invitae Variant Classification Sherloc (09022015). Collection method: clinical testing. Allele origin: germline.
Comment: This sequence change replaces proline, which is neutral and non-polar, with arginine, which is basic and polar, at codon 72 of the KCNH2 protein (p.Pro72Arg). This variant is not present in population databases (gnomAD no frequency). This missense change has been observed in individuals with long QT Syndrome (PMID: 20960620; internal data). ClinVar contains an entry for this variant (Variation ID: 67369). An algorithm developed to predict the effect of missense changes on protein structure and function (PolyPhen-2) suggests that this variant is likely to be disruptive. Experimental studies have shown that this missense change affects KCNH2 function (PMID: 35688148). This variant disrupts the p.Pro72 amino acid residue in KCNH2. Other variant(s) that disrupt this residue have been determined to be pathogenic (PMID: 11854117, 25417810). This suggests that this residue is clinically significant, and that variants that disrupt this residue are likely to be disease-causing. In summary, the currently available evidence indicates that the variant is pathogenic, but additional data are needed to prove that conclusively. Therefore, this variant has been classified as Likely Pathogenic.

Juno Genomics, Hangzhou Juno Genomics, Inc
Classification: Likely pathogenic for Long QT syndrome 2. Review status: criteria provided, single submitter. Criteria: ACMG Guidelines, 2015. Collection method: clinical testing. Allele origin: germline.
Comment: Absent from controls (or at extremely low frequency if recessive) in Genome Aggregation Database.;Multiple lines of computational evidence support a deleterious effect on the gene or gene product.;Novel missense change at an amino acid residue where a different missense change determined to be pathogenic has been seen before.;The prevalence of the variant in affected individuals is significantly increased compared to the prevalence in controls.;Patient's phenotype or family history is highly specific for a disease with a single genetic etiology.

Cardiovascular Biomedical Research Unit, Royal Brompton & Harefield NHS Foundation Trust
No classification provided. Condition: Familial long QT syndrome. Review status: no classification provided. Collection method: literature only. Allele origin: germline. Not counted in ClinVar's aggregate classification.
Comment: This variant has been reported as associated with Long QT syndrome in the following publications (PMID:20960616). This is a literature report, and does not necessarily reflect the clinical interpretation of the Imperial College / Royal Brompton Cardiovascular Genetics laboratory.

Literature cited by the submitters: PubMed 20960620 (cited by Labcorp Genetics (formerly Invitae), Labcorp); PubMed 35688148 (cited by Labcorp Genetics (formerly Invitae), Labcorp); PubMed 11854117 (cited by Labcorp Genetics (formerly Invitae), Labcorp); PubMed 25417810 (cited by Labcorp Genetics (formerly Invitae), Labcorp); PubMed 20960616 (cited by Cardiovascular Biomedical Research Unit, Royal Brompton & Harefield NHS Foundation Trust); PubMed 22581653 (cited by Cardiovascular Biomedical Research Unit, Royal Brompton & Harefield NHS Foundation Trust).